The following is an entry in ClinVar:

ClinVar aggregate classification (germline): Uncertain significance (1 of 4 stars; one submission).

Conditions:
Inborn genetic diseases. Identifiers: MedGen C0950123, MeSH D030342.

Submission:

Ambry Genetics
Classification: Uncertain significance for Inborn genetic diseases. Last evaluated: 2016-08-19. Review status: criteria provided, single submitter. Criteria: Ambry Variant Classification Scheme 2023. Collection method: clinical testing. Allele origin: germline.
Comment: The p.E2808K variant (also known as c.8422G>A), located in coding exon 58 of the HUWE1 gene, results from a G to A substitution at nucleotide position 8422. The glutamic acid at codon 2808 is replaced by lysine, an amino acid with similar properties. This variant was not reported in population based cohorts in the following databases: Database of Single Nucleotide Polymorphisms (dbSNP), NHLBI Exome Sequencing Project (ESP), and 1000 Genomes Project. In the ESP, this variant was not observed in 6503 samples with coverage at this position. This amino acid position is not well conserved in available vertebrate species. In addition, this alteration is predicted to be tolerated by in silico analysis. Since supporting evidence is limited at this time, the clinical significance of this variant remains unclear.

NM_031407.7(HUWE1):c.8422G>A (p.Glu2808Lys)

Gene: HUWE1 (HECT, UBA and WWE domain containing E3 ubiquitin protein ligase 1; minus strand). Cytogenetic location: Xp11.22.
Variant type: single nucleotide variant.
Coding change: c.8422G>A on transcript NM_031407.7 (MANE Select); coding-DNA position 8422, G replaced by A.
Protein change: p.Glu2808Lys; replaces glutamic acid 2808 with lysine.
Molecular consequence: missense variant.
Genome position (GRCh38, 1-based): chrX:53,554,705, C>T on the plus strand (G>A on the coding strand, the complement: HUWE1 is on the minus strand). VCF-style: chrX-53554705-C-T. GRCh37 (hg19) VCF-style: chrX-53581666-C-T.
Other names: short protein forms E2808K.
Identifiers: ClinVar variation 588183 (VCV000588183.5), dbSNP rs1569433944, ClinGen allele CA413149159.